The following is an entry in ClinVar:

NM_006017.3(PROM1):c.1373G>A (p.Cys458Tyr)

Gene: PROM1 (prominin 1; minus strand). Cytogenetic location: 4p15.32.
Variant type: single nucleotide variant.
Coding change: c.1373G>A on transcript NM_006017.3 (MANE Select); coding-DNA position 1373, G replaced by A.
Protein change: p.Cys458Tyr; replaces cysteine 458 with tyrosine.
Molecular consequence: missense variant.
Genome position (GRCh38, 1-based): chr4:16,006,619, C>T on the plus strand (G>A on the coding strand, the complement: PROM1 is on the minus strand). VCF-style: chr4-16006619-C-T. GRCh37 (hg19) VCF-style: chr4-16008242-C-T.
Other names: c.1346G>A, p.Cys449Tyr (NM_001145847.2, NM_001145848.2, NM_001145851.2 and 4 more transcripts); c.1373G>A, p.Cys458Tyr (NM_001145849.2, NM_001145850.2); short protein forms C449Y, C458Y.
Identifiers: ClinVar variation 2157226 (VCV002157226.3), dbSNP rs748339972, ClinGen allele CA2866790.

ClinVar aggregate classification (germline): Uncertain significance (1 of 4 stars; one submission).

Allele frequency attached by ClinVar (database versions not stated): gnomAD 0.00002; TOPMed 0.00002.
gnomAD v4.1: 3 of 1,611,676 alleles (0.00019%); highest among the groups gnomAD compares: African/African-American, 0.004%; no homozygotes.

Submission:

Labcorp Genetics (formerly Invitae), Labcorp
Classification: Uncertain significance. Last evaluated: 2025-12-01. Review status: criteria provided, single submitter. Criteria: Invitae Variant Classification Sherloc (09022015). Collection method: clinical testing. Allele origin: germline.
Comment: This sequence change replaces cysteine, which is neutral and slightly polar, with tyrosine, which is neutral and polar, at codon 458 of the PROM1 protein (p.Cys458Tyr). This variant is present in population databases (rs748339972, gnomAD 0.01%). This variant has not been reported in the literature in individuals affected with PROM1-related conditions. ClinVar contains an entry for this variant (Variation ID: 2157226). Invitae Evidence Modeling of protein sequence and biophysical properties (such as structural, functional, and spatial information, amino acid conservation, physicochemical variation, residue mobility, and thermodynamic stability) indicates that this missense variant is expected to disrupt PROM1 protein function with a positive predictive value of 80%. In summary, the available evidence is currently insufficient to determine the role of this variant in disease. Therefore, it has been classified as a Variant of Uncertain Significance.